The following is an entry in ClinVar:

ClinVar aggregate classification (germline): Uncertain significance. Review status: criteria provided, multiple submitters, no conflicts (2 of 4 stars). 2 submissions from 2 submitters: Uncertain significance (2). Last evaluated 2026-02-02.

Allele frequency attached by ClinVar (database versions not stated): TOPMed 0.00008; gnomAD 0.00010; ESP Exome Variant Server 0.00015; 1000 Genomes Project 0.00040; 1000 Genomes Project 30x 0.00047.

Submissions (2):

Labcorp Genetics (formerly Invitae), Labcorp
Classification: Uncertain significance. Last evaluated: 2026-02-02. Review status: criteria provided, single submitter. Criteria: Invitae Variant Classification Sherloc (09022015). Collection method: clinical testing. Allele origin: germline.
Comment: This sequence change replaces glutamic acid, which is acidic and polar, with lysine, which is basic and polar, at codon 739 of the NLRP1 protein (p.Glu739Lys). This variant is present in population databases (rs373530609, gnomAD 0.04%). This variant has not been reported in the literature in individuals affected with NLRP1-related conditions. ClinVar contains an entry for this variant (Variation ID: 1497206). An algorithm developed to predict the effect of missense changes on protein structure and function outputs the following: PolyPhen-2: "Benign". The lysine amino acid residue is found in multiple mammalian species, which suggests that this missense change does not adversely affect protein function. In summary, the available evidence is currently insufficient to determine the role of this variant in disease. Therefore, it has been classified as a Variant of Uncertain Significance.

CeGaT Center for Human Genetics Tuebingen
Classification: Uncertain significance. Last evaluated: 2025-06-01. Review status: criteria provided, single submitter. Criteria: CeGaT Center For Human Genetics Tuebingen Variant Classification Criteria Version 2. Collection method: clinical testing. Allele origin: germline. Affected: yes. Observed: 1 variant allele.
Comment: NLRP1: PM2, BP4

NM_033004.4(NLRP1):c.2215G>A (p.Glu739Lys)

Gene: NLRP1 (NLR family pyrin domain containing 1; minus strand). Cytogenetic location: 17p13.2.
Variant type: single nucleotide variant.
Coding change: c.2215G>A on transcript NM_033004.4 (MANE Select); coding-DNA position 2215, G replaced by A.
Protein change: p.Glu739Lys; replaces glutamic acid 739 with lysine.
Molecular consequence: missense variant.
Genome position (GRCh38, 1-based): chr17:5,558,481, C>T on the plus strand (G>A on the coding strand, the complement: NLRP1 is on the minus strand). VCF-style: chr17-5558481-C-T. GRCh37 (hg19) VCF-style: chr17-5461801-C-T.
Other names: c.2215G>A, p.Glu739Lys (NM_033007.4, NM_001033053.3, NM_014922.5 and 1 more transcripts); short protein forms E739K.
Identifiers: ClinVar variation 1497206 (VCV001497206.16), dbSNP rs373530609, ClinGen allele CA8327229.